The following is an entry in ClinVar:

ClinVar aggregate classification (germline): Uncertain significance. Review status: criteria provided, multiple submitters, no conflicts (2 of 4 stars). 3 submissions from 3 submitters: Uncertain significance (3). Last evaluated 2025-05-04.

Conditions:
Inborn genetic diseases. Identifiers: MedGen C0950123, MeSH D030342.

Allele frequency attached by ClinVar (database versions not stated): gnomAD exomes 0.00001; ExAC 0.00002.
gnomAD v4.1: 18 of 1,613,868 alleles (0.0011%); highest among the groups gnomAD compares: South Asian, 0.0022%; no homozygotes.

Submissions (3):

Ambry Genetics
Classification: Uncertain significance for Inborn genetic diseases. Last evaluated: 2025-05-04. Review status: criteria provided, single submitter. Criteria: Ambry Variant Classification Scheme 2023. Collection method: clinical testing. Allele origin: germline.

CeGaT Center for Human Genetics Tuebingen
Classification: Uncertain significance. Last evaluated: 2022-09-01. Review status: criteria provided, single submitter. Criteria: CeGaT Center For Human Genetics Tuebingen Variant Classification Criteria Version 2. Collection method: clinical testing. Allele origin: germline. Affected: yes. Observed: 1 variant allele.
Comment: IL21R: PM2

Blueprint Genetics
Classification: Uncertain significance. Last evaluated: 2019-10-11. Review status: criteria provided, single submitter. Criteria: ACMG Guidelines, 2015. Collection method: clinical testing. Allele origin: germline.

NM_181078.3(IL21R):c.82G>A (p.Asp28Asn)

Gene: IL21R (interleukin 21 receptor; plus strand). Cytogenetic location: 16p12.1.
Variant type: single nucleotide variant.
Coding change: c.82G>A on transcript NM_181078.3 (MANE Select); coding-DNA position 82, G replaced by A.
Protein change: p.Asp28Asn; replaces aspartic acid 28 with asparagine.
Molecular consequence: missense variant.
Genome position (GRCh38, 1-based): chr16:27,434,379, G>A. VCF-style: chr16-27434379-G-A. GRCh37 (hg19) VCF-style: chr16-27445700-G-A.
Other names: c.82G>A, p.Asp28Asn (NM_021798.4); c.148G>A, p.Asp50Asn (NM_181079.5); c.148G>A (NM_181079.4); short protein forms D28N, D50N.
Identifiers: ClinVar variation 2646340 (VCV002646340.25), dbSNP rs750205454, ClinGen allele CA7974867.